The following is an entry in ClinVar:

ClinVar aggregate classification (germline): Benign/Likely benign. Review status: criteria provided, multiple submitters, no conflicts (2 of 4 stars). 3 submissions from 3 submitters: Benign (1); Likely benign (2). Last evaluated 2024-11-04.

Conditions:
Hereditary North American Indian childhood cirrhosis. Identifiers: Orphanet 168583, MedGen C1858051, MONDO:0011497, OMIM 604901.

Allele frequency attached by ClinVar (database versions not stated): ESP Exome Variant Server 0.00015; gnomAD 0.00024 and 0.00048; TOPMed 0.00025; gnomAD exomes 0.00091 and 0.00145; ExAC 0.00143; 1000 Genomes Project 30x 0.00250; 1000 Genomes Project 0.00280.
gnomAD v4.1: 1,416 of 1,614,198 alleles (0.088%); highest among the groups gnomAD compares: Middle Eastern, 1.1%; 16 homozygotes.

Submissions (5):

Labcorp Genetics (formerly Invitae), Labcorp
Classification: Benign. Last evaluated: 2024-11-04. Review status: criteria provided, single submitter. Criteria: Invitae Variant Classification Sherloc (09022015). Collection method: clinical testing. Allele origin: germline.

Illumina Laboratory Services, Illumina
Classification: Likely benign for Hereditary North American Indian childhood cirrhosis. Last evaluated: 2018-01-12. Review status: criteria provided, single submitter. Criteria: ICSL Variant Classification Criteria 13 December 2019. Collection method: clinical testing. Allele origin: germline.
Comment: This variant was observed in the ICSL laboratory as part of a predisposition screen in an ostensibly healthy population. It had not been previously curated by ICSL or reported in the Human Gene Mutation Database (HGMD: prior to June 1st, 2018), and was therefore a candidate for classification through an automated scoring system. Utilizing variant allele frequency, disease prevalence and penetrance estimates, and inheritance mode, an automated score was calculated to assess if this variant is too frequent to cause the disease. Based on the score and internal cut-off values, a variant classified as likely benign is not then subjected to further curation. The score for this variant resulted in a classification of likely benign for this disease.

Breakthrough Genomics
Classification: Likely benign. Review status: criteria provided, single submitter. Criteria: ACMG Guidelines, 2015. Collection method: not provided. Allele origin: germline. Inheritance: Unknown mechanism. Affected: yes.

Dr. Peter K. Rogan Lab, Western University
No classification provided (evidence only). Condition: Melanoma. Review status: no classification provided. Collection method: in vitro. Allele origin: not applicable. Functional consequence: skipped exon, retained intron. Not counted in ClinVar's aggregate classification.

Dr. Peter K. Rogan Lab, Western University
No classification provided (evidence only). Condition: Ovarian serous cystadenocarcinoma. Review status: no classification provided. Collection method: in vitro. Allele origin: not applicable. Functional consequence: retained intron. Not counted in ClinVar's aggregate classification.

NM_032830.3(UTP4):c.1287+4A>G

Gene: UTP4 (UTP4 small subunit processome component). Cytogenetic location: 16q22.1.
Variant type: single nucleotide variant.
Coding change: c.1287+4A>G on transcript NM_032830.3 (MANE Select); 4 bases into the intron after coding-DNA position 1287, A replaced by G.
Molecular consequence: intron variant.
Genome position (GRCh38, 1-based): chr16:69,155,997, A>G. VCF-style: chr16-69155997-A-G. GRCh37 (hg19) VCF-style: chr16-69189900-A-G.
Other names: c.1038+4A>G (NM_001318391.2).
Identifiers: ClinVar variation 885211 (VCV000885211.9), dbSNP rs201384904, ClinGen allele CA8132365.